The following is an entry in ClinVar:

NM_006421.5(ARFGEF1):c.4257T>G (p.Tyr1419Ter)

Gene: ARFGEF1 (ARF guanine nucleotide exchange factor 1; minus strand). Cytogenetic location: 8q13.2.
Variant type: single nucleotide variant.
Coding change: c.4257T>G on transcript NM_006421.5 (MANE Select); coding-DNA position 4257, T replaced by G.
Protein change: p.Tyr1419Ter; replaces tyrosine 1419 with a stop codon.
Molecular consequence: nonsense.
Genome position (GRCh38, 1-based): chr8:67,219,512, A>C on the plus strand (T>G on the coding strand, the complement: ARFGEF1 is on the minus strand). VCF-style: chr8-67219512-A-C. GRCh37 (hg19) VCF-style: chr8-68131747-A-C.
Other names: c.4257T>G, p.Tyr1419Ter (NM_001413184.1, NM_001413185.1, NM_001413186.1 and 5 more transcripts); c.3657T>G, p.Tyr1219Ter (NM_001413188.1, NM_001413193.1, NM_001413197.1); c.4251T>G, p.Tyr1417Ter (NM_001413190.1); c.2832T>G, p.Tyr944Ter (NM_001413196.1); short protein forms Y1219*, Y1417*, Y1419*, Y944*.
Identifiers: ClinVar variation 1803753 (VCV001803753.1), dbSNP rs771760657, ClinGen allele CA371192221.

ClinVar aggregate classification (germline): Likely pathogenic (1 of 4 stars; one submission).

Conditions:
Developmental delay, impaired speech, and behavioral abnormalities, with or without seizures (DEDISB). Identifiers: MedGen C5575272, MONDO:0859263, OMIM 619964.

Submission:

HudsonAlpha Institute for Biotechnology
Classification: Likely pathogenic for Developmental delay, impaired speech, and behavioral abnormalities, with or without seizures. Last evaluated: 2022-09-28. Review status: criteria provided, single submitter. Criteria: ACMG Guidelines, 2015. Collection method: research. Allele origin: paternal. Affected: yes. Observed: 1 variant allele. Study: HudsonAlpha-AGHI-WGS.
Comment: ACMG codes:PVS1_VeryStrong, PM2_Moderate